The following is an entry in ClinVar:

ClinVar aggregate classification (germline): Uncertain significance (1 of 4 stars; one submission).

Conditions:
Glutaric aciduria, type 1. Also called: Glutaricacidemia Type 1; Glutaricaciduria, type I; Glutaric Acidemia Type 1; GA I; Glutaryl-CoA dehydrogenase deficiency; Glutaric acidemia type I. Identifiers: Orphanet 25, MedGen C0268595, MONDO:0009281, OMIM 231670.

gnomAD v4.1: 2 of 1,611,866 alleles (0.00012%); highest among the groups gnomAD compares: Admixed American, 0.0033%; no homozygotes.

Submission:

Labcorp Genetics (formerly Invitae), Labcorp
Classification: Uncertain significance for Glutaric aciduria, type 1. Last evaluated: 2022-04-06. Review status: criteria provided, single submitter. Criteria: Invitae Variant Classification Sherloc (09022015). Collection method: clinical testing. Allele origin: germline.
Comment: This sequence change replaces glycine, which is neutral and non-polar, with alanine, which is neutral and non-polar, at codon 284 of the GCDH protein (p.Gly284Ala). This variant is present in population databases (rs749033627, gnomAD 0.006%). This variant has not been reported in the literature in individuals affected with GCDH-related conditions. Algorithms developed to predict the effect of missense changes on protein structure and function output the following: SIFT: "Tolerated"; PolyPhen-2: "Benign"; Align-GVGD: "Class C0". The alanine amino acid residue is found in multiple mammalian species, which suggests that this missense change does not adversely affect protein function. In summary, the available evidence is currently insufficient to determine the role of this variant in disease. Therefore, it has been classified as a Variant of Uncertain Significance.

NM_000159.4(GCDH):c.851G>C (p.Gly284Ala)

Gene: GCDH (glutaryl-CoA dehydrogenase; plus strand). Cytogenetic location: 19p13.13.
Variant type: single nucleotide variant.
Coding change: c.851G>C on transcript NM_000159.4 (MANE Select); coding-DNA position 851, G replaced by C.
Protein change: p.Gly284Ala; replaces glycine 284 with alanine.
Molecular consequence: missense variant. On other transcripts: non-coding transcript variant (2).
Genome position (GRCh38, 1-based): chr19:12,896,420, G>C. VCF-style: chr19-12896420-G-C. GRCh37 (hg19) VCF-style: chr19-13007234-G-C.
Other names: c.851G>C, p.Gly284Ala (NM_013976.5); short protein forms G284A.
Identifiers: ClinVar variation 2148290 (VCV002148290.1), dbSNP rs749033627, ClinGen allele CA9234507.